The following is an entry in ClinVar:

NM_024408.4(NOTCH2):c.6572C>T (p.Ala2191Val)

Gene: NOTCH2 (notch receptor 2; minus strand). Cytogenetic location: 1p12.
Variant type: single nucleotide variant.
Coding change: c.6572C>T on transcript NM_024408.4 (MANE Select); coding-DNA position 6572, C replaced by T.
Protein change: p.Ala2191Val; replaces alanine 2191 with valine.
Molecular consequence: missense variant.
Genome position (GRCh38, 1-based): chr1:119,916,150, G>A on the plus strand (C>T on the coding strand, the complement: NOTCH2 is on the minus strand). VCF-style: chr1-119916150-G-A. GRCh37 (hg19) VCF-style: chr1-120458773-G-A.
Other names: short protein forms A2191V.
Identifiers: ClinVar variation 2721410 (VCV002721410.4), dbSNP rs1034282992, ClinGen allele CA30313623.

ClinVar aggregate classification (germline): Uncertain significance. Review status: criteria provided, multiple submitters, no conflicts (2 of 4 stars). 2 submissions from 2 submitters: Uncertain significance (2). Last evaluated 2023-01-19.

Conditions:
Hajdu-Cheney syndrome (HJCYS). Also called: ACROOSTEOLYSIS WITH OSTEOPOROSIS AND CHANGES IN SKULL AND MANDIBLE; Acroosteolysis dominant type; SERPENTINE FIBULA-POLYCYSTIC KIDNEY SYNDROME. Identifiers: Orphanet 955, MedGen C0917715, MONDO:0007057, OMIM 102500.

gnomAD v4.1: 4 of 1,614,220 alleles (0.00025%); highest among the groups gnomAD compares: Admixed American, 0.005%; no homozygotes.

Submissions (2):

Labcorp Genetics (formerly Invitae), Labcorp
Classification: Uncertain significance for Hajdu-Cheney syndrome. Last evaluated: 2023-01-19. Review status: criteria provided, single submitter. Criteria: Invitae Variant Classification Sherloc (09022015). Collection method: clinical testing. Allele origin: germline.
Comment: This sequence change replaces alanine, which is neutral and non-polar, with valine, which is neutral and non-polar, at codon 2191 of the NOTCH2 protein (p.Ala2191Val). In summary, the available evidence is currently insufficient to determine the role of this variant in disease. Therefore, it has been classified as a Variant of Uncertain Significance. Advanced modeling of protein sequence and biophysical properties (such as structural, functional, and spatial information, amino acid conservation, physicochemical variation, residue mobility, and thermodynamic stability) performed at Invitae indicates that this missense variant is not expected to disrupt NOTCH2 protein function. This variant has not been reported in the literature in individuals affected with NOTCH2-related conditions. This variant is present in population databases (no rsID available, gnomAD 0.003%).

Blueprint Genetics
Classification: Uncertain significance. Last evaluated: 2022-09-06. Review status: criteria provided, single submitter. Criteria: ACMG Guidelines, 2015. Collection method: clinical testing. Allele origin: germline.